The following is an entry in ClinVar:

NM_001961.4(EEF2):c.1820G>T (p.Arg607Leu)

Gene: EEF2 (eukaryotic translation elongation factor 2; minus strand). Cytogenetic location: 19p13.3.
Variant type: single nucleotide variant.
Coding change: c.1820G>T on transcript NM_001961.4 (MANE Select); coding-DNA position 1820, G replaced by T.
Protein change: p.Arg607Leu; replaces arginine 607 with leucine.
Molecular consequence: missense variant.
Genome position (GRCh38, 1-based): chr19:3,978,066, C>A on the plus strand (G>T on the coding strand, the complement: EEF2 is on the minus strand). VCF-style: chr19-3978066-C-A. GRCh37 (hg19) VCF-style: chr19-3978064-C-A.
Other names: short protein forms R607L.
Identifiers: ClinVar variation 2831076 (VCV002831076.3), dbSNP rs149757304, ClinGen allele CA403390957.

ClinVar aggregate classification (germline): Uncertain significance (1 of 4 stars; one submission).

Submission:

Labcorp Genetics (formerly Invitae), Labcorp
Classification: Uncertain significance. Last evaluated: 2023-01-23. Review status: criteria provided, single submitter. Criteria: Invitae Variant Classification Sherloc (09022015). Collection method: clinical testing. Allele origin: germline.
Comment: In summary, the available evidence is currently insufficient to determine the role of this variant in disease. Therefore, it has been classified as a Variant of Uncertain Significance. Advanced modeling of protein sequence and biophysical properties (such as structural, functional, and spatial information, amino acid conservation, physicochemical variation, residue mobility, and thermodynamic stability) performed at Invitae indicates that this missense variant is expected to disrupt EEF2 protein function. This variant has not been reported in the literature in individuals affected with EEF2-related conditions. This variant is not present in population databases (gnomAD no frequency). This sequence change replaces arginine, which is basic and polar, with leucine, which is neutral and non-polar, at codon 607 of the EEF2 protein (p.Arg607Leu).